The following is an entry in ClinVar:

NM_001365951.3(KIF1B):c.4127C>G (p.Pro1376Arg)

Gene: KIF1B (kinesin family member 1B; plus strand). Cytogenetic location: 1p36.22.
Variant type: single nucleotide variant.
Coding change: c.4127C>G on transcript NM_001365951.3 (MANE Select); coding-DNA position 4127, C replaced by G.
Protein change: p.Pro1376Arg; replaces proline 1376 with arginine.
Molecular consequence: missense variant.
Genome position (GRCh38, 1-based): chr1:10,361,000, C>G. VCF-style: chr1-10361000-C-G. GRCh37 (hg19) VCF-style: chr1-10421058-C-G.
Other names: c.4127C>G, p.Pro1376Arg (NM_001365952.1); c.3989C>G, p.Pro1330Arg (NM_015074.3); short protein forms P1330R, P1376R.
Identifiers: ClinVar variation 3226481 (VCV003226481.1), dbSNP rs1194525429, ClinGen allele CA338316365.

ClinVar aggregate classification (germline): Uncertain significance (1 of 4 stars; one submission).

Allele frequency attached by ClinVar (database versions not stated): gnomAD exomes below 0.00001; TOPMed 0.00001.
gnomAD v4.1: 2 of 1,613,934 alleles (0.00012%); highest among the groups gnomAD compares: African/African-American, 0.0027%; no homozygotes.

Submission:

Ambry Genetics
Classification: Uncertain significance. Last evaluated: 2023-12-24. Review status: criteria provided, single submitter. Criteria: Ambry Variant Classification Scheme 2023. Collection method: clinical testing. Allele origin: germline.
Comment: The p.P1330R variant (also known as c.3989C>G), located in coding exon 36 of the KIF1B gene, results from a C to G substitution at nucleotide position 3989. The proline at codon 1330 is replaced by arginine, an amino acid with dissimilar properties. This amino acid position is conserved. In addition, this alteration is predicted to be deleterious by in silico analysis. Since supporting evidence is limited at this time, the clinical significance of this alteration remains unclear.